The following is an entry in ClinVar:

ClinVar aggregate classification (germline): Uncertain significance. Review status: criteria provided, single submitter (1 of 4 stars). 2 submissions from 2 submitters: Uncertain significance (1). 1 of the submissions does not count toward it. Last evaluated 2018-01-12.

Conditions:
CPOX-related disorder. Also called: CPOX-related condition; CPOX-related disorders.
Hereditary coproporphyria (HCP). Also called: Hereditary coproporphyria porphyria; Porphyria hepatica coproporphyria; Porphyria hepatica II; CPRO deficiency; COPROPORPHYRINOGEN OXIDASE DEFICIENCY; CPO DEFICIENCY. Identifiers: Orphanet 79273, MedGen C0162531, MONDO:0007369, OMIM 121300.

Allele frequency attached by ClinVar (database versions not stated): TOPMed 0.00012.
gnomAD v4.1: 106 of 1,342,196 alleles (0.0079%); highest among the groups gnomAD compares: Non-Finnish European, 0.0093%; no homozygotes.

Submissions (2):

Illumina Laboratory Services, Illumina
Classification: Uncertain significance for Hereditary coproporphyria. Last evaluated: 2018-01-12. Review status: criteria provided, single submitter. Criteria: ICSL Variant Classification Criteria 13 December 2019. Collection method: clinical testing. Allele origin: germline.

PreventionGenetics, part of Exact Sciences
Classification: Likely benign for CPOX-related condition. Last evaluated: 2019-05-02. Review status: no assertion criteria provided. Collection method: clinical testing. Allele origin: germline. Not counted in ClinVar's aggregate classification.
Comment: This variant is classified as likely benign based on ACMG/AMP sequence variant interpretation guidelines (Richards et al. 2015 PMID: 25741868, with internal and published modifications).

NM_000097.7(CPOX):c.156C>G (p.Gly52=)

Genes: CPOX (coproporphyrinogen oxidase; minus strand), LOC129937121 (ATAC-STARR-seq lymphoblastoid silent region 14560; plus strand). Cytogenetic location: 3q11.2.
Variant type: single nucleotide variant.
Coding change: c.156C>G on transcript NM_000097.7 (MANE Select); coding-DNA position 156, C replaced by G.
Protein change: p.Gly52=; no amino-acid change (glycine 52 retained).
Molecular consequence: synonymous variant.
Genome position (GRCh38, 1-based): chr3:98,593,349, G>C on the plus strand (C>G on the coding strand, the complement: CPOX is on the minus strand). VCF-style: chr3-98593349-G-C. GRCh37 (hg19) VCF-style: chr3-98312193-G-C.
Other names: c.156C>G, p.Gly52= (LRG_1077t1).
Identifiers: ClinVar variation 346992 (VCV000346992.7), dbSNP rs886058949, ClinGen allele CA10619775.